The following is an entry in ClinVar:

ClinVar aggregate classification (germline): Uncertain significance (1 of 4 stars; one submission).

Conditions:
Developmental and epileptic encephalopathy, 5 (DEE5). Identifiers: Orphanet 3451, MedGen C3150731, MONDO:0013277, OMIM 613477.

gnomAD v4.1: 1 of 1,587,616 alleles (0.000063%); highest among the groups gnomAD compares: African/African-American, 0.0013%; no homozygotes.

Submission:

Dasa
Classification: Uncertain significance for Developmental and epileptic encephalopathy, 5. Last evaluated: 2025-04-17. Review status: criteria provided, single submitter. Criteria: DASA Assertion Criteria. Collection method: clinical testing. Allele origin: germline.
Comment: NM_001130438.3(SPTAN1):c.1572+7C>T is a splice-region variant. This variant is rare in population databases. Computational prediction algorithms are consistent with a benign effect. The currently available literature and clinical evidence are not sufficient to establish a definitive association between this variant and the reported condition. Therefore, this variant is classified as a variant of uncertain significance.

NM_001130438.3(SPTAN1):c.1572+7C>T

Gene: SPTAN1 (spectrin alpha, non-erythrocytic 1; plus strand). Cytogenetic location: 9q34.11.
Variant type: single nucleotide variant.
Coding change: c.1572+7C>T on transcript NM_001130438.3 (MANE Select); 7 bases into the intron after coding-DNA position 1572, C replaced by T.
Molecular consequence: intron variant.
Genome position (GRCh38, 1-based): chr9:128,581,899, C>T. VCF-style: chr9-128581899-C-T. GRCh37 (hg19) VCF-style: chr9-131344178-C-T.
Other names: c.1608+7C>T (NM_001375318.1, NM_001375312.2, NM_001438440.1); c.1572+7C>T (NM_001375311.2, NM_001375314.2, NM_001375310.1 and 10 more transcripts).
Identifiers: ClinVar variation 4881471 (VCV004881471.2).